The following is an entry in ClinVar:

NM_002878.4(RAD51D):c.283G>A (p.Ala95Thr)

Genes: RAD51L3-RFFL (RAD51L3-RFFL readthrough; minus strand), RAD51D (RAD51 paralog D; minus strand). Cytogenetic location: 17q12.
Variant type: single nucleotide variant.
Coding change: c.283G>A on transcript NM_002878.4 (MANE Select); coding-DNA position 283, G replaced by A.
Protein change: p.Ala95Thr; replaces alanine 95 with threonine.
Molecular consequence: missense variant. On other transcripts: non-coding transcript variant (2), intron variant (1).
Genome position (GRCh38, 1-based): chr17:35,107,428, C>T on the plus strand (G>A on the coding strand, the complement: RAD51D is on the minus strand). VCF-style: chr17-35107428-C-T. GRCh37 (hg19) VCF-style: chr17-33434447-C-T.
Other names: c.343G>A, p.Ala115Thr (NM_001142571.2); c.145-947G>A (NM_133629.3); short protein forms A95T, A115T.
Identifiers: ClinVar variation 633387 (VCV000633387.6), dbSNP rs1567728746, ClinGen allele CA399089997.

ClinVar aggregate classification (germline): Uncertain significance. Review status: criteria provided, multiple submitters, no conflicts (2 of 4 stars). 2 submissions from 2 submitters: Uncertain significance (2). Last evaluated 2025-12-18.

Conditions:
Hereditary cancer-predisposing syndrome. Also called: Neoplastic Syndromes, Hereditary; Hereditary neoplastic syndrome; Tumor predisposition; Hereditary Cancer Syndrome. Identifiers: Orphanet 140162, MedGen C0027672, MeSH D009386, MONDO:0015356.

Submissions (2):

Ambry Genetics
Classification: Uncertain significance for Hereditary cancer-predisposing syndrome. Last evaluated: 2025-12-18. Review status: criteria provided, single submitter. Criteria: Ambry Variant Classification Scheme 2023. Collection method: clinical testing. Allele origin: germline.
Comment: The p.A95T variant (also known as c.283G>A), located in coding exon 4 of the RAD51D gene, results from a G to A substitution at nucleotide position 283. The alanine at codon 95 is replaced by threonine, an amino acid with similar properties. This amino acid position is poorly conserved in available vertebrate species. In addition, this alteration is predicted to be tolerated by in silico analysis. Since supporting evidence is limited at this time, the clinical significance of this alteration remains unclear.

Women's Health and Genetics/Laboratory Corporation of America, LabCorp
Classification: Uncertain significance. Last evaluated: 2018-08-27. Review status: criteria provided, single submitter. Criteria: LabCorp Variant Classification Summary - May 2015. Collection method: clinical testing. Allele origin: germline.
Comment: Variant summary: RAD51D c.283G>A (p.Ala95Thr) results in a non-conservative amino acid change located in the DNA recombination and repair protein Rad51-like, C-terminal domain of the encoded protein sequence. Three of five in-silico tools predict a damaging effect of the variant on protein function. The variant was absent in 246200 control chromosomes (gnomAD). The available data on variant occurrences in the general population are insufficient to allow any conclusion about variant significance. To our knowledge, no occurrence of c.283G>A in individuals affected with Hereditary Breast and Ovarian Cancer and no experimental evidence demonstrating its impact on protein function have been reported. No clinical diagnostic laboratories have submitted clinical-significance assessments for this variant to ClinVar after 2014. Based on the evidence outlined above, the variant was classified as uncertain significance.